The following is an entry in ClinVar:

ClinVar aggregate classification (germline): Uncertain significance (1 of 4 stars; one submission).

Submission:

Labcorp Genetics (formerly Invitae), Labcorp
Classification: Uncertain significance. Last evaluated: 2025-01-27. Review status: criteria provided, single submitter. Criteria: Invitae Variant Classification Sherloc (09022015). Collection method: clinical testing. Allele origin: germline.
Comment: This sequence change replaces phenylalanine, which is neutral and non-polar, with isoleucine, which is neutral and non-polar, at codon 128 of the RLBP1 protein (p.Phe128Ile). This variant is not present in population databases (gnomAD no frequency). This variant has not been reported in the literature in individuals affected with RLBP1-related conditions. Invitae Evidence Modeling of protein sequence and biophysical properties (such as structural, functional, and spatial information, amino acid conservation, physicochemical variation, residue mobility, and thermodynamic stability) has been performed for this missense variant. However, the output from this modeling did not meet the statistical confidence thresholds required to predict the impact of this variant on RLBP1 protein function. In summary, the available evidence is currently insufficient to determine the role of this variant in disease. Therefore, it has been classified as a Variant of Uncertain Significance.

NM_000326.5(RLBP1):c.382T>A (p.Phe128Ile)

Gene: RLBP1 (retinaldehyde binding protein 1; minus strand). Cytogenetic location: 15q26.1.
Variant type: single nucleotide variant.
Coding change: c.382T>A on transcript NM_000326.5 (MANE Select); coding-DNA position 382, T replaced by A.
Protein change: p.Phe128Ile; replaces phenylalanine 128 with isoleucine.
Molecular consequence: missense variant.
Genome position (GRCh38, 1-based): chr15:89,215,203, A>T on the plus strand (T>A on the coding strand, the complement: RLBP1 is on the minus strand). VCF-style: chr15-89215203-A-T. GRCh37 (hg19) VCF-style: chr15-89758434-A-T.
Other names: short protein forms F128I.
Identifiers: ClinVar variation 3657096 (VCV003657096.2).
Genomic context (GRCh38, chr15:89,215,203, plus strand): 5'-GGACACCAGGGTAGCCAGCTTCAATGGTGCAGCGGACAGCCTCTGGGGACAGGCTGTCAA[A>T]GAGCTCAGGGTACTGCAGCCGGAAATTCACATAGCCTGGAGGAAGGAGAGCAGAGGAACC-3'
Protein context (NP_000317.1, residues 118-138): VNFRLQYPEL[Phe128Ile]DSLSPEAVRC